The following is an entry in ClinVar:

NM_001267550.2(TTN):c.93011G>A (p.Ser31004Asn)

Genes: TTN (titin; minus strand), TTN-AS1 (TTN antisense RNA 1; plus strand). Cytogenetic location: 2q31.2.
Variant type: single nucleotide variant.
Coding change: c.93011G>A on transcript NM_001267550.2 (MANE Select); coding-DNA position 93011, G replaced by A.
Protein change: p.Ser31004Asn; replaces serine 31004 with asparagine.
Molecular consequence: missense variant.
Genome position (GRCh38, 1-based): chr2:178,548,615, C>T on the plus strand (G>A on the coding strand, the complement: TTN is on the minus strand). VCF-style: chr2-178548615-C-T. GRCh37 (hg19) VCF-style: chr2-179413342-C-T.
Other names: p.S29363N:AGT>AAT; c.88088G>A, p.Ser29363Asn (NM_001256850.1); c.65816G>A, p.Ser21939Asn (NM_003319.4); c.85307G>A, p.Ser28436Asn (NM_133378.4); c.66191G>A, p.Ser22064Asn (NM_133432.3); c.66392G>A, p.Ser22131Asn (NM_133437.4); short protein forms S29363N, S31004N, S28436N, S22064N, S21939N, S22131N.
Identifiers: ClinVar variation 202991 (VCV000202991.5), dbSNP rs762024916, ClinGen allele CA310911.

ClinVar aggregate classification (germline): Uncertain significance. Review status: criteria provided, multiple submitters, no conflicts (2 of 4 stars). 2 submissions from 2 submitters: Uncertain significance (2). Last evaluated 2019-08-14.

Allele frequency attached by ClinVar (database versions not stated): TOPMed below 0.00001; gnomAD exomes 0.00001 and 0.00002; ExAC 0.00003.

Submissions (2):

Revvity Omics, Revvity
Classification: Uncertain significance. Last evaluated: 2019-08-14. Review status: criteria provided, single submitter. Criteria: ACMG Guidelines, 2015. Collection method: clinical testing. Allele origin: germline.

GeneDx
Classification: Uncertain significance. Last evaluated: 2014-03-07. Review status: criteria provided, single submitter. Criteria: GeneDx Variant Classification (06012015). Collection method: clinical testing. Allele origin: germline. Affected: yes.
Comment: Missense variants in the TTN gene are considered 'unclassified' if they are not previously reported in the literature and do not have >1% frequency in the population to be considered a polymorphism. Research indicates that truncating mutations in the TTN gene are expected to account for approximately 25% of familial and 18% of sporadic idiopathic DCM; however, truncating variants in the TTN gene have been reported in approximately 3% of reported control alleles. There has been little investigation into non-truncating variants. (Herman D et al. Truncations of titin causing dilated cardiomyopathy. N Eng J Med 366:619-628, 2012) The variant is found in CARDIOMYOPATHY panel(s).